The following is an entry in ClinVar:

NM_002461.3(MVD):c.528C>T (p.Ala176=)

Gene: MVD (mevalonate diphosphate decarboxylase; minus strand). Cytogenetic location: 16q24.2.
Variant type: single nucleotide variant.
Coding change: c.528C>T on transcript NM_002461.3 (MANE Select); coding-DNA position 528, C replaced by T.
Protein change: p.Ala176=; no amino-acid change (alanine 176 retained).
Molecular consequence: synonymous variant.
Genome position (GRCh38, 1-based): chr16:88,656,180, G>A on the plus strand (C>T on the coding strand, the complement: MVD is on the minus strand). VCF-style: chr16-88656180-G-A. GRCh37 (hg19) VCF-style: chr16-88722588-G-A.
Identifiers: ClinVar variation 3040032 (VCV003040032.21), dbSNP rs57279356, ClinGen allele CA8228875.

ClinVar aggregate classification (germline): Likely benign. Review status: criteria provided, single submitter (1 of 4 stars). 2 submissions from 2 submitters: Likely benign (1). 1 of the submissions does not count toward it. Last evaluated 2024-04-01.

Conditions:
MVD-related disorder. Also called: MVD-related condition.

Allele frequency attached by ClinVar (database versions not stated): ExAC 0.00062; gnomAD 0.00227; ESP Exome Variant Server 0.00231; TOPMed 0.00235; 1000 Genomes Project 30x 0.00265; 1000 Genomes Project 0.00280.
gnomAD v4.1: 646 of 1,601,834 alleles (0.04%); highest among the groups gnomAD compares: African/African-American, 0.79%; 2 homozygotes.

Submissions (2):

CeGaT Center for Human Genetics Tuebingen
Classification: Likely benign. Last evaluated: 2024-04-01. Review status: criteria provided, single submitter. Criteria: CeGaT Center For Human Genetics Tuebingen Variant Classification Criteria Version 2. Collection method: clinical testing. Allele origin: germline. Affected: yes. Observed: 1 variant allele.
Comment: MVD: BP4, BP7

PreventionGenetics, part of Exact Sciences
Classification: Benign for MVD-related condition. Last evaluated: 2019-10-28. Review status: no assertion criteria provided. Collection method: clinical testing. Allele origin: germline. Not counted in ClinVar's aggregate classification.
Comment: This variant is classified as benign based on ACMG/AMP sequence variant interpretation guidelines (Richards et al. 2015 PMID: 25741868, with internal and published modifications).